The following is an entry in ClinVar:

NM_000531.6(OTC):c.386G>T (p.Arg129Leu)

Gene: OTC (ornithine transcarbamylase; plus strand). Cytogenetic location: Xp11.4.
Variant type: single nucleotide variant.
Coding change: c.386G>T on transcript NM_000531.6 (MANE Select); coding-DNA position 386, G replaced by T.
Protein change: p.Arg129Leu; replaces arginine 129 with leucine.
Molecular consequence: missense variant.
Genome position (GRCh38, 1-based): chrX:38,381,429, G>T. VCF-style: chrX-38381429-G-T. GRCh37 (hg19) VCF-style: chrX-38240682-G-T.
Other names: NC_000023.10:g.38240682G>T; short protein forms R129L.
Identifiers: ClinVar variation 97182 (VCV000097182.3), dbSNP rs66656800, ClinGen allele CA224571.
Genomic context (GRCh38, chrX:38,381,429, plus strand): 5'-GTTTTCTTACCACACAAGATATTCATTTGGGTGTGAATGAAAGTCTCACGGACACGGCCC[G>T]GTTTGTAAATATTTTCTTCTCTCCAAAGCTGATTTCAGAATCTGATGGATAAATTTCAAA-3'
Protein context (NP_000522.3, residues 119-139): GVNESLTDTA[Arg129Leu]VLSSMADAVL

ClinVar aggregate classification (germline): Pathogenic (0 of 4 stars; one submission).

Submissions (2):

Dr. Peter K. Rogan Lab, Western University
No classification provided (evidence only). Condition: Nonpapillary renal cell carcinoma. Review status: no classification provided. Collection method: in vitro. Allele origin: not applicable. Functional consequence: retained intron. Not counted in ClinVar's aggregate classification.

GenMed Metabolism Lab
Classification: Pathogenic. Review status: no assertion criteria provided. Collection method: not provided. Allele origin: unknown.
Comment: p.Arg129Leu, Late, CpG dinucleotide, donor splice site error
ClinVar note: Converted during submission from pathogenic to Pathogenic.